The following is an entry in ClinVar:

NM_024580.6(EFL1):c.473C>T (p.Thr158Ile)

Gene: EFL1 (elongation factor like GTPase 1; minus strand). Cytogenetic location: 15q25.2.
Variant type: single nucleotide variant.
Coding change: c.473C>T on transcript NM_024580.6 (MANE Select); coding-DNA position 473, C replaced by T.
Protein change: p.Thr158Ile; replaces threonine 158 with isoleucine.
Molecular consequence: missense variant. On other transcripts: 5 prime UTR variant (1), non-coding transcript variant (1).
Genome position (GRCh38, 1-based): chr15:82,240,461, G>A on the plus strand (C>T on the coding strand, the complement: EFL1 is on the minus strand). VCF-style: chr15-82240461-G-A. GRCh37 (hg19) VCF-style: chr15-82532802-G-A.
Other names: c.320C>T, p.Thr107Ile (NM_001040610.3); c.-317C>T (NM_001322844.2); c.473C>T, p.Thr158Ile (NM_001322845.2); short protein forms T158I, T107I.
Identifiers: ClinVar variation 1486661 (VCV001486661.8), dbSNP rs1362753089, ClinGen allele CA393281654.

ClinVar aggregate classification (germline): Uncertain significance (1 of 4 stars; one submission).

Allele frequency attached by ClinVar (database versions not stated): gnomAD exomes below 0.00001; TOPMed below 0.00001; gnomAD 0.00001.

Submission:

Labcorp Genetics (formerly Invitae), Labcorp
Classification: Uncertain significance. Last evaluated: 2020-11-19. Review status: criteria provided, single submitter. Criteria: Invitae Variant Classification Sherloc (09022015). Collection method: clinical testing. Allele origin: germline.
Comment: In summary, the available evidence is currently insufficient to determine the role of this variant in disease. Therefore, it has been classified as a Variant of Uncertain Significance. Algorithms developed to predict the effect of missense changes on protein structure and function are either unavailable or do not agree on the potential impact of this missense change (SIFT: "Deleterious"; PolyPhen-2: "Possibly Damaging"; Align-GVGD: "Class C0"). This variant has not been reported in the literature in individuals with EFL1-related conditions. This variant is not present in population databases (ExAC no frequency). This sequence change replaces threonine with isoleucine at codon 158 of the EFL1 protein (p.Thr158Ile). The threonine residue is moderately conserved and there is a moderate physicochemical difference between threonine and isoleucine.